The following is an entry in ClinVar:

NM_003737.4(DCHS1):c.1656T>C (p.Asp552=)

Gene: DCHS1 (dachsous cadherin-related 1; minus strand). Cytogenetic location: 11p15.4.
Variant type: single nucleotide variant.
Coding change: c.1656T>C on transcript NM_003737.4 (MANE Select); coding-DNA position 1656, T replaced by C.
Protein change: p.Asp552=; no amino-acid change (aspartic acid 552 retained).
Molecular consequence: synonymous variant.
Genome position (GRCh38, 1-based): chr11:6,639,958, A>G on the plus strand (T>C on the coding strand, the complement: DCHS1 is on the minus strand). VCF-style: chr11-6639958-A-G. GRCh37 (hg19) VCF-style: chr11-6661189-A-G.
Other names: c.1656T>C (NM_003737.3).
Identifiers: ClinVar variation 1914219 (VCV001914219.7), dbSNP rs756104178, ClinGen allele CA5860920.

ClinVar aggregate classification (germline): Likely benign. Review status: criteria provided, single submitter (1 of 4 stars). 2 submissions from 2 submitters: Likely benign (1). 1 of the submissions does not count toward it. Last evaluated 2023-06-12.

Conditions:
DCHS1-related disorder. Also called: DCHS1-related condition.

Allele frequency attached by ClinVar (database versions not stated): gnomAD exomes below 0.00001; ExAC 0.00001; gnomAD 0.00001; TOPMed 0.00002.
gnomAD v4.1: 8 of 1,613,892 alleles (0.0005%); highest among the groups gnomAD compares: Non-Finnish European, 0.00059%; no homozygotes.

Submissions (2):

Labcorp Genetics (formerly Invitae), Labcorp
Classification: Likely benign. Last evaluated: 2023-06-12. Review status: criteria provided, single submitter. Criteria: Invitae Variant Classification Sherloc (09022015). Collection method: clinical testing. Allele origin: germline.

PreventionGenetics, part of Exact Sciences
Classification: Likely benign for DCHS1-related condition. Last evaluated: 2022-03-17. Review status: no assertion criteria provided. Collection method: clinical testing. Allele origin: germline. Not counted in ClinVar's aggregate classification.
Comment: This variant is classified as likely benign based on ACMG/AMP sequence variant interpretation guidelines (Richards et al. 2015 PMID: 25741868, with internal and published modifications).